The following is an entry in ClinVar:

NM_005431.2(XRCC2):c.802C>A (p.His268Asn)

Gene: XRCC2 (X-ray repair cross complementing 2; minus strand). Cytogenetic location: 7q36.1.
Variant type: single nucleotide variant.
Coding change: c.802C>A on transcript NM_005431.2 (MANE Select); coding-DNA position 802, C replaced by A.
Protein change: p.His268Asn; replaces histidine 268 with asparagine.
Molecular consequence: missense variant.
Genome position (GRCh38, 1-based): chr7:152,648,683, G>T on the plus strand (C>A on the coding strand, the complement: XRCC2 is on the minus strand). VCF-style: chr7-152648683-G-T. GRCh37 (hg19) VCF-style: chr7-152345768-G-T.
Other names: short protein forms H268N.
Identifiers: ClinVar variation 3471479 (VCV003471479.1).

ClinVar aggregate classification (germline): Uncertain significance (1 of 4 stars; one submission).

Conditions:
Hereditary cancer-predisposing syndrome. Also called: Tumor predisposition; Neoplastic Syndromes, Hereditary; Hereditary neoplastic syndrome; Hereditary Cancer Syndrome. Identifiers: Orphanet 140162, MedGen C0027672, MeSH D009386, MONDO:0015356.

Submission:

Ambry Genetics
Classification: Uncertain significance for Hereditary cancer-predisposing syndrome. Last evaluated: 2024-11-18. Review status: criteria provided, single submitter. Criteria: Ambry Variant Classification Scheme 2023. Collection method: clinical testing. Allele origin: germline.
Comment: The p.H268N variant (also known as c.802C>A), located in coding exon 3 of the XRCC2 gene, results from a C to A substitution at nucleotide position 802. The histidine at codon 268 is replaced by asparagine, an amino acid with similar properties. This amino acid position is conserved. In addition, this alteration is predicted to be tolerated by in silico analysis. Based on the available evidence, the clinical significance of this variant remains unclear.